The following is an entry in ClinVar:

ClinVar aggregate classification (germline): Pathogenic (1 of 4 stars; one submission).

Conditions:
Hereditary cancer-predisposing syndrome. Also called: Neoplastic Syndromes, Hereditary; Tumor predisposition; Hereditary Cancer Syndrome; Hereditary neoplastic syndrome. Identifiers: Orphanet 140162, MedGen C0027672, MeSH D009386, MONDO:0015356.

Submission:

Ambry Genetics
Classification: Pathogenic for Hereditary cancer-predisposing syndrome. Last evaluated: 2020-05-22. Review status: criteria provided, single submitter. Criteria: Ambry Variant Classification Scheme 2023. Collection method: clinical testing. Allele origin: germline.
Comment: The c.2041delC pathogenic mutation, located in coding exon 12 of the PMS2 gene, results from a deletion of one nucleotide at nucleotide position 2041, causing a translational frameshift with a predicted alternate stop codon (p.Q681Sfs*7). This alteration is expected to result in loss of function by premature protein truncation or nonsense-mediated mRNA decay. As such, this alteration is interpreted as a disease-causing mutation.

NM_000535.7(PMS2):c.2041del (p.Gln681fs)

Gene: PMS2 (PMS1 homolog 2, mismatch repair system component; minus strand). Cytogenetic location: 7p22.1.
Variant type: Deletion.
Coding change: c.2041del on transcript NM_000535.7 (MANE Select); coding-DNA position 2041, one base deleted (C; older notation c.2041delC).
Protein change: p.Gln681fs; shifts the reading frame from glutamine 681.
Molecular consequence: frameshift variant. On other transcripts: non-coding transcript variant (1).
Genome position (GRCh38, 1-based): chr7:5,982,957, G deleted on the plus strand (C on the coding strand, the reverse complement: PMS2 is on the minus strand). VCF-style (leftmost placement, unchanged base first): chr7-5982956-TG-T. GRCh37 (hg19) VCF-style: chr7-6022587-TG-T.
Other names: c.1636delC, p.Gln546Serfs (NM_001018040.1, NM_001406887.1, NM_001406888.1 and 11 more transcripts); c.1636del, p.Gln546fs (NM_001322003.2, NM_001322004.2, NM_001322005.2 and 1 more transcripts); c.1885del, p.Gln629fs (NM_001322006.2); c.1723del, p.Gln575fs (NM_001322007.2, NM_001322008.2); c.1480del, p.Gln494fs (NM_001322010.2); c.1108del, p.Gln370fs (NM_001322011.2, NM_001322012.2); c.1468del, p.Gln490fs (NM_001322013.2); c.2041del, p.Gln681fs (NM_001322014.2); and 20 more; short protein forms Q681fs, Q578fs, Q494fs, Q546fs, Q575fs, Q370fs, Q490fs, Q629fs.
Identifiers: ClinVar variation 1784916 (VCV001784916.2), dbSNP rs2535549765, ClinGen allele CA2580076836.
Genomic context (GRCh38, chr7:5,982,956, plus strand): 5'-TGCTGGTCCACTATGAAGATATCCTCATTCAGTTTGGTTATTATAAATCCCAGGTTAAAC[TG>T]ACCAATGATTTCCATTTCTGCAAACATCGTTTTACTGCAGGTAGAAAATGTTAATTATCA-3'